The following is an entry in ClinVar:

NM_000836.4(GRIN2D):c.22C>A (p.Arg8Ser)

Gene: GRIN2D (glutamate ionotropic receptor NMDA type subunit 2D; plus strand). Cytogenetic location: 19q13.33.
Variant type: single nucleotide variant.
Coding change: c.22C>A on transcript NM_000836.4 (MANE Select); coding-DNA position 22, C replaced by A.
Protein change: p.Arg8Ser; replaces arginine 8 with serine.
Molecular consequence: missense variant.
Genome position (GRCh38, 1-based): chr19:48,398,414, C>A. VCF-style: chr19-48398414-C-A. GRCh37 (hg19) VCF-style: chr19-48901671-C-A.
Other names: short protein forms R8S.
Identifiers: ClinVar variation 2098612 (VCV002098612.4), dbSNP rs2147434074, ClinGen allele CA406688122.
Genomic context (GRCh38, chr19:48,398,414, plus strand): 5'-CCCGGGCGCTCAGAGGCCGCCCGGCGGGGCCCGCAGGCGATGCGCGGCGCCGGTGGCCCC[C>A]GCGGCCCTCGGGGCCCCGCTAAGATGCTGCTGCTGCTGGCGCTGGCCTGCGCCAGCCCGT-3'
Protein context (NP_000827.2, residues 1-18): MRGAGGP[Arg8Ser]GPRGPAKMLL

ClinVar aggregate classification (germline): Uncertain significance (1 of 4 stars; one submission).

Allele frequency attached by ClinVar (database versions not stated): gnomAD 0.00001; gnomAD exomes 0.00001; 1000 Genomes Project 30x 0.00016.
gnomAD v4.1: 6 of 1,118,210 alleles (0.00054%); highest among the groups gnomAD compares: Non-Finnish European, 0.00065%; no homozygotes.

Submission:

Labcorp Genetics (formerly Invitae), Labcorp
Classification: Uncertain significance. Last evaluated: 2022-02-27. Review status: criteria provided, single submitter. Criteria: Invitae Variant Classification Sherloc (09022015). Collection method: clinical testing. Allele origin: germline.
Comment: In summary, the available evidence is currently insufficient to determine the role of this variant in disease. Therefore, it has been classified as a Variant of Uncertain Significance. Advanced modeling of protein sequence and biophysical properties (such as structural, functional, and spatial information, amino acid conservation, physicochemical variation, residue mobility, and thermodynamic stability) performed at Invitae indicates that this missense variant is not expected to disrupt GRIN2D protein function. This variant has not been reported in the literature in individuals affected with GRIN2D-related conditions. The frequency data for this variant in the population databases is considered unreliable, as metrics indicate insufficient coverage at this position in the gnomAD database. This sequence change replaces arginine, which is basic and polar, with serine, which is neutral and polar, at codon 8 of the GRIN2D protein (p.Arg8Ser).